The following is an entry in ClinVar:

ClinVar aggregate classification (germline): Likely benign (1 of 4 stars; one submission).

Submission:

Dasa
Classification: Likely benign. Last evaluated: 2025-11-07. Review status: criteria provided, single submitter. Criteria: DASA Assertion Criteria. Collection method: clinical testing. Allele origin: germline.
Comment: NM_001170535.3(ATAD3A):c.445-6_445-4del is a splice-region variant predicted to affect normal RNA splicing. Multiple computational predictions suggest no deleterious effect on the gene or gene product. The variant is present at low frequency in population datasets. Based on the available data, this variant is classified as likely benign.

NM_001170535.3(ATAD3A):c.445-6_445-4del

Gene: ATAD3A (ATPase family AAA domain containing 3A; plus strand). Cytogenetic location: 1p36.33.
Variant type: Microsatellite.
Coding change: c.445-6_445-4del on transcript NM_001170535.3 (MANE Select); 6 bases into the intron before coding-DNA position 445 through 4 bases into the intron before coding-DNA position 445, 3 bases deleted (TCT; older notation c.445-6_445-4delTCT).
Molecular consequence: intron variant.
Genome position (GRCh38, 1-based): chr1:1,518,915-1,518,917, TCT deleted; deleting any 3 consecutive bases within chr1:1,518,910-1,518,917 gives the same sequence; the c. name uses the placement nearest the transcript's 3' end. VCF-style (leftmost placement, unchanged base first): chr1-1518909-GCTT-G. GRCh37 (hg19) VCF-style: chr1-1454289-GCTT-G.
Other names: c.589-6_589-4del (NM_018188.5); c.208-6_208-4del (NM_001170536.3).
Identifiers: ClinVar variation 4851933 (VCV004851933.1).